The following is an entry in ClinVar:

ClinVar aggregate classification (germline): Uncertain significance (1 of 4 stars; one submission).

Conditions:
Hereditary sensory neuropathy-deafness-dementia syndrome. Also called: Hereditary sensory neuropathy type IE; HSN IE; NEUROPATHY, HEREDITARY SENSORY, WITH HEARING LOSS AND DEMENTIA; Hereditary Sensory and Autonomic Neuropathy Type 1E (HSAN1E). Identifiers: Orphanet 456318, MedGen C3279885, MONDO:0013584, OMIM 614116.

Submission:

Labcorp Genetics (formerly Invitae), Labcorp
Classification: Uncertain significance for Hereditary sensory neuropathy-deafness-dementia syndrome. Last evaluated: 2025-04-28. Review status: criteria provided, single submitter. Criteria: Invitae Variant Classification Sherloc (09022015). Collection method: clinical testing. Allele origin: germline.
Comment: This sequence change replaces serine, which is neutral and polar, with glycine, which is neutral and non-polar, at codon 1483 of the DNMT1 protein (p.Ser1483Gly). This variant is not present in population databases (gnomAD no frequency). This variant has not been reported in the literature in individuals affected with DNMT1-related conditions. Invitae Evidence Modeling of protein sequence and biophysical properties (such as structural, functional, and spatial information, amino acid conservation, physicochemical variation, residue mobility, and thermodynamic stability) has been performed for this missense variant. However, the output from this modeling did not meet the statistical confidence thresholds required to predict the impact of this variant on DNMT1 protein function. In summary, the available evidence is currently insufficient to determine the role of this variant in disease. Therefore, it has been classified as a Variant of Uncertain Significance.

NM_001130823.3(DNMT1):c.4447A>G (p.Ser1483Gly)

Gene: DNMT1 (DNA methyltransferase 1; minus strand). Cytogenetic location: 19p13.2.
Variant type: single nucleotide variant.
Coding change: c.4447A>G on transcript NM_001130823.3 (MANE Select); coding-DNA position 4447, A replaced by G.
Protein change: p.Ser1483Gly; replaces serine 1483 with glycine.
Molecular consequence: missense variant.
Genome position (GRCh38, 1-based): chr19:10,137,127, T>C on the plus strand (A>G on the coding strand, the complement: DNMT1 is on the minus strand). VCF-style: chr19-10137127-T-C. GRCh37 (hg19) VCF-style: chr19-10247803-T-C.
Other names: c.4399A>G, p.Ser1467Gly (NM_001318730.2, NM_001379.4); c.4084A>G, p.Ser1362Gly (NM_001318731.2); short protein forms S1362G, S1467G, S1483G.
Identifiers: ClinVar variation 4806382 (VCV004806382.1).